The following is an entry in ClinVar:

ClinVar aggregate classification (germline): Uncertain significance (1 of 4 stars; one submission).

Allele frequency attached by ClinVar (database versions not stated): gnomAD 0.00001; gnomAD exomes 0.00001; TOPMed 0.00002; ExAC 0.00003.
gnomAD v4.1: 10 of 1,607,544 alleles (0.00062%); highest among the groups gnomAD compares: Middle Eastern, 0.033%; no homozygotes.

Submission:

Labcorp Genetics (formerly Invitae), Labcorp
Classification: Uncertain significance. Last evaluated: 2023-05-24. Review status: criteria provided, single submitter. Criteria: Invitae Variant Classification Sherloc (09022015). Collection method: clinical testing. Allele origin: germline.
Comment: This variant has not been reported in the literature in individuals affected with DOCK6-related conditions. Advanced modeling of protein sequence and biophysical properties (such as structural, functional, and spatial information, amino acid conservation, physicochemical variation, residue mobility, and thermodynamic stability) has been performed at Invitae for this missense variant, however the output from this modeling did not meet the statistical confidence thresholds required to predict the impact of this variant on DOCK6 protein function. In summary, the available evidence is currently insufficient to determine the role of this variant in disease. Therefore, it has been classified as a Variant of Uncertain Significance. The frequency data for this variant in the population databases is considered unreliable, as metrics indicate poor data quality at this position in the gnomAD database. This sequence change replaces arginine, which is basic and polar, with cysteine, which is neutral and slightly polar, at codon 2005 of the DOCK6 protein (p.Arg2005Cys).

NM_020812.4(DOCK6):c.6013C>T (p.Arg2005Cys)

Gene: DOCK6 (dedicator of cytokinesis 6; minus strand). Cytogenetic location: 19p13.2.
Variant type: single nucleotide variant.
Coding change: c.6013C>T on transcript NM_020812.4 (MANE Select); coding-DNA position 6013, C replaced by T.
Protein change: p.Arg2005Cys; replaces arginine 2005 with cysteine.
Molecular consequence: missense variant.
Genome position (GRCh38, 1-based): chr19:11,200,396, G>A on the plus strand (C>T on the coding strand, the complement: DOCK6 is on the minus strand). VCF-style: chr19-11200396-G-A. GRCh37 (hg19) VCF-style: chr19-11311072-G-A.
Other names: c.6118C>T, p.Arg2040Cys (NM_001367830.1); short protein forms R2040C, R2005C.
Identifiers: ClinVar variation 2975326 (VCV002975326.2), dbSNP rs781074293, ClinGen allele CA9206254.